The following is an entry in ClinVar:

ClinVar aggregate classification (germline): Likely benign. Review status: criteria provided, single submitter (1 of 4 stars). 2 submissions from 2 submitters: Likely benign (1). 1 of the submissions does not count toward it. Last evaluated 2026-04-01.

Conditions:
KDM6B-related disorder. Also called: KDM6B-related condition.

Submissions (2):

CeGaT Center for Human Genetics Tuebingen
Classification: Likely benign. Last evaluated: 2026-04-01. Review status: criteria provided, single submitter. Criteria: CeGaT Center For Human Genetics Tuebingen Variant Classification Criteria Version 2. Collection method: clinical testing. Allele origin: germline. Affected: yes. Observed: 2 variant alleles.
Comment: KDM6B: BP4, BP7

PreventionGenetics, part of Exact Sciences
Classification: Likely benign for KDM6B-related condition. Last evaluated: 2019-04-29. Review status: no assertion criteria provided. Collection method: clinical testing. Allele origin: germline. Not counted in ClinVar's aggregate classification.
Comment: This variant is classified as likely benign based on ACMG/AMP sequence variant interpretation guidelines (Richards et al. 2015 PMID: 25741868, with internal and published modifications).

NM_001348716.2(KDM6B):c.789A>C (p.Pro263=)

Gene: KDM6B (lysine demethylase 6B; plus strand). Cytogenetic location: 17p13.1.
Variant type: single nucleotide variant.
Coding change: c.789A>C on transcript NM_001348716.2 (MANE Select); coding-DNA position 789, A replaced by C.
Protein change: p.Pro263=; no amino-acid change (proline 263 retained).
Molecular consequence: synonymous variant.
Genome position (GRCh38, 1-based): chr17:7,846,896, A>C. VCF-style: chr17-7846896-A-C. GRCh37 (hg19) VCF-style: chr17-7750214-A-C.
Other names: c.789A>C, p.Pro263= (NM_001080424.2).
Identifiers: ClinVar variation 3055924 (VCV003055924.7), dbSNP rs139139016, ClinGen allele CA497946502.